The following is an entry in ClinVar:

ClinVar aggregate classification (germline): Uncertain significance (1 of 4 stars; one submission).

Submission:

Labcorp Genetics (formerly Invitae), Labcorp
Classification: Uncertain significance. Last evaluated: 2025-05-18. Review status: criteria provided, single submitter. Criteria: Invitae Variant Classification Sherloc (09022015). Collection method: clinical testing. Allele origin: germline.
Comment: This sequence change replaces serine, which is neutral and polar, with arginine, which is basic and polar, at codon 389 of the FAM111A protein (p.Ser389Arg). This variant is present in population databases (rs769868626, gnomAD 0.009%). This variant has not been reported in the literature in individuals affected with FAM111A-related conditions. ClinVar contains an entry for this variant (Variation ID: 3687515). Invitae Evidence Modeling of protein sequence and biophysical properties (such as structural, functional, and spatial information, amino acid conservation, physicochemical variation, residue mobility, and thermodynamic stability) indicates that this missense variant is not expected to disrupt FAM111A protein function with a negative predictive value of 80%. In summary, the available evidence is currently insufficient to determine the role of this variant in disease. Therefore, it has been classified as a Variant of Uncertain Significance.

NM_001312909.2(FAM111A):c.1167C>A (p.Ser389Arg)

Gene: FAM111A (FAM111 trypsin like peptidase A; plus strand). Cytogenetic location: 11q12.1.
Variant type: single nucleotide variant.
Coding change: c.1167C>A on transcript NM_001312909.2 (MANE Select); coding-DNA position 1167, C replaced by A.
Protein change: p.Ser389Arg; replaces serine 389 with arginine.
Molecular consequence: missense variant.
Genome position (GRCh38, 1-based): chr11:59,152,835, C>A. VCF-style: chr11-59152835-C-A. GRCh37 (hg19) VCF-style: chr11-58920308-C-A.
Other names: c.1167C>A, p.Ser389Arg (NM_001142519.3, NM_001142520.3, NM_001142521.3 and 29 more transcripts); short protein forms S389R.
Identifiers: ClinVar variation 3687515 (VCV003687515.2).
Genomic context (GRCh38, chr11:59,152,835, plus strand): 5'-CGCCACCTGCTTTGTTTTTAAAGGATTGTTCATTTTAACTTGTCGGCATGTAATAGATAG[C>A]ATTGTGGGAGACGGAATAGAGCCAAGTAAGTGGGCAACCATAATTGGTCAATGTGTAAGG-3'
Protein context (NP_001299838.1, residues 379-399): FILTCRHVID[Ser389Arg]IVGDGIEPSK